The following is an entry in ClinVar:

ClinVar aggregate classification (germline): Likely pathogenic (1 of 4 stars; one submission).

Conditions:
Dilated cardiomyopathy 1G (CMD1G). Identifiers: Orphanet 154, MedGen C1858763, MONDO:0011400, OMIM 604145.
Autosomal recessive limb-girdle muscular dystrophy type 2J (LGMDR10). Also called: Limb-girdle muscular dystrophy, type 2J; MUSCULAR DYSTROPHY, LIMB-GIRDLE, AUTOSOMAL RECESSIVE 10. Identifiers: Orphanet 140922, MedGen C1837342, MONDO:0012127, OMIM 608807.

Submission:

Labcorp Genetics (formerly Invitae), Labcorp
Classification: Likely pathogenic for Dilated cardiomyopathy 1G; Autosomal recessive limb-girdle muscular dystrophy type 2J. Last evaluated: 2023-05-17. Review status: criteria provided, single submitter. Criteria: Invitae Variant Classification Sherloc (09022015). Collection method: clinical testing. Allele origin: germline.
Comment: In summary, the currently available evidence indicates that the variant is pathogenic, but additional data are needed to prove that conclusively. Therefore, this variant has been classified as Likely Pathogenic. This variant is located in the A band of TTN (PMID: 25589632). Truncating variants in this region are significantly overrepresented in patients affected with dilated cardiomyopathy (PMID: 25589632). Truncating variants in this region have also been reported in individuals affected with autosomal recessive centronuclear myopathy (PMID: 23975875). This variant has not been reported in the literature in individuals affected with TTN-related conditions. This variant is not present in population databases (gnomAD no frequency). This sequence change creates a premature translational stop signal (p.Tyr33135*) in the TTN gene. While this is not anticipated to result in nonsense mediated decay, it is expected to create a truncated TTN protein.

Literature cited by the submitters: PubMed 25589632; PubMed 23975875.

NM_001267550.2(TTN):c.99405_99406del (p.Tyr33135_Arg33136delinsTer)

Genes: TTN (titin; minus strand), TTN-AS1 (TTN antisense RNA 1; plus strand). Cytogenetic location: 2q31.2.
Variant type: Deletion.
Coding change: c.99405_99406del on transcript NM_001267550.2 (MANE Select); coding-DNA positions 99405 to 99406, 2 bases deleted (CA; older notation c.99405_99406delCA).
Protein change: p.Tyr33135_Arg33136delinsTer.
Molecular consequence: nonsense.
Genome position (GRCh38, 1-based): chr2:178,537,801-178,537,802, TG deleted on the plus strand (CA on the coding strand, the reverse complement: TTN is on the minus strand); deleting any 2 consecutive bases within chr2:178,537,801-178,537,803 gives the same sequence; the c. name uses the placement nearest the transcript's 3' end. VCF-style (leftmost placement, unchanged base first): chr2-178537800-CTG-C. GRCh37 (hg19) VCF-style: chr2-179402527-CTG-C.
Other names: c.94482_94483del, p.Tyr31494_Arg31495delinsTer (NM_001256850.1); c.72210_72211del, p.Tyr24070_Arg24071delinsTer (NM_003319.4); c.91701_91702del, p.Tyr30567_Arg30568delinsTer (NM_133378.4); c.72585_72586del, p.Tyr24195_Arg24196delinsTer (NM_133432.3); c.72786_72787del, p.Tyr24262_Arg24263delinsTer (NM_133437.4).
Identifiers: ClinVar variation 2940378 (VCV002940378.3), dbSNP rs1400393326, ClinGen allele CA761281170.